The following is an entry in ClinVar:

ClinVar aggregate classification (germline): Uncertain significance (1 of 4 stars; one submission).

Conditions:
Gnathodiaphyseal dysplasia (GDD). Also called: GNATHODIAPHYSEAL SCLEROSIS; OSTEOGENESIS IMPERFECTA WITH UNUSUAL SKELETAL LESIONS. Identifiers: Orphanet 53697, MedGen C1833736, MONDO:0008151, OMIM 166260.
Autosomal recessive limb-girdle muscular dystrophy type 2L (LGMDR12). Also called: Limb-girdle muscular dystrophy, type 2L; MUSCULAR DYSTROPHY, LIMB-GIRDLE, AUTOSOMAL RECESSIVE 12; Limb-Girdle Muscular Dystrophy R12 Anoctamin-5-Related (LGMD-R12). Identifiers: Orphanet 206549, MedGen C1969785, MONDO:0012652, OMIM 611307.

gnomAD v4.1: 46 of 1,613,408 alleles (0.0029%); highest among the groups gnomAD compares: Non-Finnish European, 0.0038%; no homozygotes.

Submission:

Labcorp Genetics (formerly Invitae), Labcorp
Classification: Uncertain significance for Autosomal recessive limb-girdle muscular dystrophy type 2L; Gnathodiaphyseal dysplasia. Last evaluated: 2025-06-10. Review status: criteria provided, single submitter. Criteria: Invitae Variant Classification Sherloc (09022015). Collection method: clinical testing. Allele origin: germline.
Comment: This sequence change replaces glutamic acid, which is acidic and polar, with lysine, which is basic and polar, at codon 238 of the ANO5 protein (p.Glu238Lys). This variant is present in population databases (no rsID available, gnomAD 0.0009%). This variant has not been reported in the literature in individuals affected with ANO5-related conditions. Invitae Evidence Modeling of protein sequence and biophysical properties (such as structural, functional, and spatial information, amino acid conservation, physicochemical variation, residue mobility, and thermodynamic stability) indicates that this missense variant is not expected to disrupt ANO5 protein function with a negative predictive value of 80%. Algorithms developed to predict the effect of sequence changes on RNA splicing suggest that this variant may disrupt the consensus splice site. In summary, the available evidence is currently insufficient to determine the role of this variant in disease. Therefore, it has been classified as a Variant of Uncertain Significance.

NM_213599.3(ANO5):c.712G>A (p.Glu238Lys)

Gene: ANO5 (anoctamin 5; plus strand). Cytogenetic location: 11p14.3.
Variant type: single nucleotide variant.
Coding change: c.712G>A on transcript NM_213599.3 (MANE Select); coding-DNA position 712, G replaced by A.
Protein change: p.Glu238Lys; replaces glutamic acid 238 with lysine.
Molecular consequence: missense variant. On other transcripts: intron variant (2).
Genome position (GRCh38, 1-based): chr11:22,236,226, G>A. VCF-style: chr11-22236226-G-A. GRCh37 (hg19) VCF-style: chr11-22257772-G-A.
Other names: c.604-3343G>A (NM_001441299.1); c.709G>A, p.Glu237Lys (NM_001142649.2); c.670G>A, p.Glu224Lys (NM_001410963.1, NM_001441300.1); c.667G>A, p.Glu223Lys (NM_001410964.1, NM_001441301.1); c.634G>A, p.Glu212Lys (NM_001441294.1); c.631G>A, p.Glu211Lys (NM_001441295.1); c.619G>A, p.Glu207Lys (NM_001441296.1, NM_001441302.1); c.592G>A, p.Glu198Lys (NM_001441297.1); and 1 more; short protein forms E207K, E223K, E198K, E211K, E212K, E237K, E238K, E224K.
Identifiers: ClinVar variation 4789050 (VCV004789050.1).